The following is an entry in ClinVar:

NM_001440.4(EXTL3):c.115A>T (p.Ile39Phe)

Gene: EXTL3 (exostosin like glycosyltransferase 3; plus strand). Cytogenetic location: 8p21.1.
Variant type: single nucleotide variant.
Coding change: c.115A>T on transcript NM_001440.4 (MANE Select); coding-DNA position 115, A replaced by T.
Protein change: p.Ile39Phe; replaces isoleucine 39 with phenylalanine.
Molecular consequence: missense variant.
Genome position (GRCh38, 1-based): chr8:28,716,174, A>T. VCF-style: chr8-28716174-A-T. GRCh37 (hg19) VCF-style: chr8-28573691-A-T.
Other names: short protein forms I39F.
Identifiers: ClinVar variation 1401974 (VCV001401974.8), dbSNP rs2130735379, ClinGen allele CA370853072.
Genomic context (GRCh38, chr8:28,716,174, plus strand): 5'-TGCATGCTGCGCTGGTCCAACCGCATCCGCCTCACGTGGCTCAGCTTCACGCTCTTTGTC[A>T]TCCTGGTCTTCTTCCCGCTCATCGCCCACTATTACCTCACCACTCTGGATGAGGCTGATG-3'
Protein context (NP_001431.1, residues 29-49): LTWLSFTLFV[Ile39Phe]LVFFPLIAHY

ClinVar aggregate classification (germline): Uncertain significance (1 of 4 stars; one submission).

Submission:

Labcorp Genetics (formerly Invitae), Labcorp
Classification: Uncertain significance. Last evaluated: 2021-06-19. Review status: criteria provided, single submitter. Criteria: Invitae Variant Classification Sherloc (09022015). Collection method: clinical testing. Allele origin: germline.
Comment: In summary, the available evidence is currently insufficient to determine the role of this variant in disease. Therefore, it has been classified as a Variant of Uncertain Significance. Algorithms developed to predict the effect of missense changes on protein structure and function are either unavailable or do not agree on the potential impact of this missense change (SIFT: "Deleterious"; PolyPhen-2: "Benign"; Align-GVGD: "Class C0"). This variant has not been reported in the literature in individuals with EXTL3-related conditions. This variant is not present in population databases (ExAC no frequency). This sequence change replaces isoleucine with phenylalanine at codon 39 of the EXTL3 protein (p.Ile39Phe). The isoleucine residue is highly conserved and there is a small physicochemical difference between isoleucine and phenylalanine.